The following is an entry in ClinVar:

ClinVar aggregate classification (germline): Uncertain significance (1 of 4 stars; one submission).

Submission:

Ambry Genetics
Classification: Uncertain significance. Last evaluated: 2024-06-21. Review status: criteria provided, single submitter. Criteria: Ambry Variant Classification Scheme 2023. Collection method: clinical testing. Allele origin: germline.
Comment: The p.S480G variant (also known as c.1438A>G), located in coding exon 13 of the PRKDC gene, results from an A to G substitution at nucleotide position 1438. The serine at codon 480 is replaced by glycine, an amino acid with similar properties. This amino acid position is conserved. In addition, this alteration is predicted to be tolerated by in silico analysis. Based on the available evidence, the clinical significance of this variant remains unclear.

NM_006904.7(PRKDC):c.1438A>G (p.Ser480Gly)

Gene: PRKDC (protein kinase, DNA-activated, catalytic subunit; minus strand). Cytogenetic location: 8q11.21.
Variant type: single nucleotide variant.
Coding change: c.1438A>G on transcript NM_006904.7 (MANE Select); coding-DNA position 1438, A replaced by G.
Protein change: p.Ser480Gly; replaces serine 480 with glycine.
Molecular consequence: missense variant.
Genome position (GRCh38, 1-based): chr8:47,935,741, T>C on the plus strand (A>G on the coding strand, the complement: PRKDC is on the minus strand). VCF-style: chr8-47935741-T-C. GRCh37 (hg19) VCF-style: chr8-48848301-T-C.
Other names: c.1438A>G, p.Ser480Gly (NM_001081640.2); short protein forms S480G.
Identifiers: ClinVar variation 3310188 (VCV003310188.1).